The following is an entry in ClinVar:

ClinVar aggregate classification (germline): Uncertain significance. Review status: criteria provided, multiple submitters, no conflicts (2 of 4 stars). 2 submissions from 2 submitters: Uncertain significance (2). Last evaluated 2026-01-16.

Conditions:
Inborn genetic diseases. Identifiers: MedGen C0950123, MeSH D030342.

Allele frequency attached by ClinVar (database versions not stated): ExAC 0.00010; gnomAD 0.00034; TOPMed 0.00043; ESP Exome Variant Server 0.00046.
gnomAD v4.1: 124 of 1,613,182 alleles (0.0077%); highest among the groups gnomAD compares: African/African-American, 0.15%; no homozygotes.

Submissions (2):

Labcorp Genetics (formerly Invitae), Labcorp
Classification: Uncertain significance. Last evaluated: 2026-01-16. Review status: criteria provided, single submitter. Criteria: Invitae Variant Classification Sherloc (09022015). Collection method: clinical testing. Allele origin: germline.
Comment: This sequence change replaces histidine, which is basic and polar, with glutamine, which is neutral and polar, at codon 454 of the EDEM3 protein (p.His454Gln). This variant is present in population databases (rs146461491, gnomAD 0.1%). This variant has not been reported in the literature in individuals affected with EDEM3-related conditions. ClinVar contains an entry for this variant (Variation ID: 3087176). Experimental studies and prediction algorithms are not available or were not evaluated, and the functional significance of this variant is currently unknown. In summary, the available evidence is currently insufficient to determine the role of this variant in disease. Therefore, it has been classified as a Variant of Uncertain Significance.

Ambry Genetics
Classification: Uncertain significance for Inborn genetic diseases. Last evaluated: 2021-09-16. Review status: criteria provided, single submitter. Criteria: Ambry Variant Classification Scheme 2023. Collection method: clinical testing. Allele origin: germline.

NM_025191.4(EDEM3):c.1362T>A (p.His454Gln)

Gene: EDEM3 (ER degradation enhancing alpha-mannosidase like protein 3; minus strand). Cytogenetic location: 1q25.3.
Variant type: single nucleotide variant.
Coding change: c.1362T>A on transcript NM_025191.4 (MANE Select); coding-DNA position 1362, T replaced by A.
Protein change: p.His454Gln; replaces histidine 454 with glutamine.
Molecular consequence: missense variant. On other transcripts: non-coding transcript variant (1).
Genome position (GRCh38, 1-based): chr1:184,716,896, A>T on the plus strand (T>A on the coding strand, the complement: EDEM3 is on the minus strand). VCF-style: chr1-184716896-A-T. GRCh37 (hg19) VCF-style: chr1-184686030-A-T.
Other names: c.1362T>A, p.His454Gln (NM_001319960.2); short protein forms H454Q.
Identifiers: ClinVar variation 3087176 (VCV003087176.2), dbSNP rs146461491, ClinGen allele CA1287392.